The following is an entry in ClinVar:

NM_015046.7(SETX):c.7427C>A (p.Pro2476His)

Gene: SETX (senataxin; minus strand). Cytogenetic location: 9q34.13.
Variant type: single nucleotide variant.
Coding change: c.7427C>A on transcript NM_015046.7 (MANE Select); coding-DNA position 7427, C replaced by A.
Protein change: p.Pro2476His; replaces proline 2476 with histidine.
Molecular consequence: missense variant.
Genome position (GRCh38, 1-based): chr9:132,264,846, G>T on the plus strand (C>A on the coding strand, the complement: SETX is on the minus strand). VCF-style: chr9-132264846-G-T. GRCh37 (hg19) VCF-style: chr9-135140233-G-T.
Other names: c.7427C>A, p.Pro2476His (NM_001351527.2); c.7514C>A, p.Pro2505His (NM_001351528.2); c.7427C>A (NM_015046.5); short protein forms P2476H, P2505H.
Identifiers: ClinVar variation 1511852 (VCV001511852.10), dbSNP rs767515528, ClinGen allele CA200793457.

ClinVar aggregate classification (germline): Uncertain significance. Review status: criteria provided, multiple submitters, no conflicts (2 of 4 stars). 3 submissions from 3 submitters: Uncertain significance (3). Last evaluated 2025-10-15.

Conditions:
Inborn genetic diseases. Identifiers: MedGen C0950123, MeSH D030342.
Amyotrophic lateral sclerosis type 4 (ALS4). Also called: AMYOTROPHIC LATERAL SCLEROSIS 4, JUVENILE; NEURONOPATHY, DISTAL HEREDITARY MOTOR, WITH PYRAMIDAL FEATURES. Identifiers: Orphanet 357043, MedGen C1865409, MONDO:0011223, OMIM 602433.
Spinocerebellar ataxia, autosomal recessive, with axonal neuropathy 2 (SCAN2). Also called: ATAXIA-OCULOMOTOR APRAXIA 2; Ataxia with Oculomotor Apraxia; Ataxia with Oculomotor Apraxia Type 2; Ataxia-ocular apraxia-2. Identifiers: Orphanet 64753, MedGen C1853761, MONDO:0018996, OMIM 606002.
SETX-related disorder. Also called: SETX-related condition; SETX-related disorders. Identifiers: MedGen CN239403.

gnomAD v4.1: 18 of 1,614,216 alleles (0.0011%); highest among the groups gnomAD compares: Non-Finnish European, 0.0015%; no homozygotes.

Submissions (3):

Ambry Genetics
Classification: Uncertain significance for Inborn genetic diseases. Last evaluated: 2025-10-15. Review status: criteria provided, single submitter. Criteria: Ambry Variant Classification Scheme 2023. Collection method: clinical testing. Allele origin: germline.

PreventionGenetics, part of Exact Sciences
Classification: Uncertain significance for SETX-related condition. Last evaluated: 2025-07-25. Review status: criteria provided, single submitter. Criteria: ACMG Guidelines, 2015. Collection method: clinical testing. Allele origin: germline.
Comment: The SETX c.7427C>A variant is predicted to result in the amino acid substitution p.Pro2476His. To our knowledge, this variant has not been reported in the literature or in a large population database (gnomAD), indicating this variant is rare. At this time, the clinical significance of this variant is uncertain due to the absence of conclusive functional and genetic evidence.

Labcorp Genetics (formerly Invitae), Labcorp
Classification: Uncertain significance for Amyotrophic lateral sclerosis type 4; Spinocerebellar ataxia, autosomal recessive, with axonal neuropathy 2. Last evaluated: 2021-12-23. Review status: criteria provided, single submitter. Criteria: Invitae Variant Classification Sherloc (09022015). Collection method: clinical testing. Allele origin: germline.
Comment: In summary, the available evidence is currently insufficient to determine the role of this variant in disease. Therefore, it has been classified as a Variant of Uncertain Significance. Advanced modeling of protein sequence and biophysical properties (such as structural, functional, and spatial information, amino acid conservation, physicochemical variation, residue mobility, and thermodynamic stability) performed at Invitae indicates that this missense variant is not expected to disrupt SETX protein function. This variant has not been reported in the literature in individuals affected with SETX-related conditions. This variant is not present in population databases (gnomAD no frequency). This sequence change replaces proline, which is neutral and non-polar, with histidine, which is basic and polar, at codon 2476 of the SETX protein (p.Pro2476His).